The following is an entry in ClinVar:

ClinVar aggregate classification (germline): Likely pathogenic (1 of 4 stars; one submission).

Conditions:
Familial adenomatous polyposis 2. Also called: MUTYH Polyposis; COLORECTAL ADENOMATOUS POLYPOSIS, AUTOSOMAL RECESSIVE; ADENOMAS, MULTIPLE COLORECTAL, AUTOSOMAL RECESSIVE; MUTYH-associated polyposis; MYH-associated polyposis; MUTYH-related attenuated familial adenomatous polyposis. Identifiers: Orphanet 220460, Orphanet 247798, MedGen C3272841, MONDO:0012041, OMIM 608456.

Submission:

Labcorp Genetics (formerly Invitae), Labcorp
Classification: Likely pathogenic for Familial adenomatous polyposis 2. Last evaluated: 2023-01-03. Review status: criteria provided, single submitter. Criteria: Invitae Variant Classification Sherloc (09022015). Collection method: clinical testing. Allele origin: germline.
Comment: This sequence change affects a donor splice site in intron 4 of the MUTYH gene. RNA analysis indicates that disruption of this splice site induces altered splicing and may result in an absent or disrupted protein product. This variant is not present in population databases (gnomAD no frequency). This variant has not been reported in the literature in individuals affected with MUTYH-related conditions. Studies have shown that disruption of this splice site results in activation of a cryptic splice site and skipping of exon 5 and introduces a premature termination codon (Invitae). The resulting mRNA is expected to undergo nonsense-mediated decay. In summary, the currently available evidence indicates that the variant is pathogenic, but additional data are needed to prove that conclusively. Therefore, this variant has been classified as Likely Pathogenic.

NM_001048174.2(MUTYH):c.304+1G>A

Gene: MUTYH (mutY DNA glycosylase; minus strand). Cytogenetic location: 1p34.1.
Variant type: single nucleotide variant.
Coding change: c.304+1G>A on transcript NM_001048174.2 (MANE Select); the canonical splice donor site of the intron after coding-DNA position 304, G replaced by A.
Molecular consequence: splice donor variant.
Genome position (GRCh38, 1-based): chr1:45,333,284, C>T on the plus strand (G>A on the coding strand, the complement: MUTYH is on the minus strand). VCF-style: chr1-45333284-C-T. GRCh37 (hg19) VCF-style: chr1-45798956-C-T.
Other names: c.337+1G>A (NM_001407077.1, NM_001293191.2); c.346+1G>A (NM_001407083.1, NM_001407085.1, NM_001407073.1); c.220+1G>A (NM_001407075.1); c.304+1G>A (NM_001407081.1, NM_001407088.1, NM_001293195.2 and 6 more transcripts); c.307+1G>A (NM_001407078.1, NM_001407086.1, NM_001407071.1 and 2 more transcripts); c.28+1G>A (NM_001407091.1, NM_001293196.2, NM_001293192.2); c.325+1G>A (NM_001407087.1); c.349+1G>A (NM_001293190.2); and 3 more.
Identifiers: ClinVar variation 2117445 (VCV002117445.4), dbSNP rs2524243658, ClinGen allele CA340136225.
Genomic context (GRCh38, chr1:45,333,284, plus strand): 5'-ACAGCCCCCAGACCCAAGGGCCTCGAGGCAAAGTGGCCCTGCTCTCAGGAGATGTACTGA[C>T]CAGCATATGCCCGCCTGTCCAGGTCCATCTCATCTTCTGCCTGTCAATGCAACCCCAGAT-3'